The following is an entry in ClinVar:

Single allele

Gene: MYOZ2 (myozenin 2; plus strand). Cytogenetic location: 4q26.
Variant type: Duplication.
Identifiers: ClinVar variation 560148 (VCV000560148.3).

ClinVar aggregate classification (germline): Uncertain significance (1 of 4 stars; one submission).

Conditions:
Hypertrophic cardiomyopathy 16. Identifiers: MedGen C3151204, MONDO:0013455, OMIM 613838.

Submission:

Geisinger Autism and Developmental Medicine Institute, Geisinger Health System
Classification: Uncertain significance for Hypertrophic cardiomyopathy 16. Last evaluated: 2018-04-12. Review status: criteria provided, single submitter. Criteria: ACMG CNV Guidelines, 2011. Collection method: provider interpretation. Allele origin: unknown.
Comment: Parental testing was not completed. This duplication includes the gene MYOZ2, which is associated with hypertrophic cardiomyopathy. There is one overlapping duplication reported in the literature that includes two additional genes in a patient with Cantu syndrome. The clinical significance of this duplication remains unclear at this time.

Literature cited by the submitters: PubMed 23310962.